The following is an entry in ClinVar:

NM_138615.3(DHX30):c.1334A>G (p.Asn445Ser)

Gene: DHX30 (DExH-box helicase 30; plus strand). Cytogenetic location: 3p21.31.
Variant type: single nucleotide variant.
Coding change: c.1334A>G on transcript NM_138615.3 (MANE Select); coding-DNA position 1334, A replaced by G.
Protein change: p.Asn445Ser; replaces asparagine 445 with serine.
Molecular consequence: missense variant.
Genome position (GRCh38, 1-based): chr3:47,846,406, A>G. VCF-style: chr3-47846406-A-G. GRCh37 (hg19) VCF-style: chr3-47887896-A-G.
Other names: c.1334A>G (NM_138615.2); c.1250A>G, p.Asn417Ser (NM_001330990.2); c.1217A>G, p.Asn406Ser (NM_014966.4); short protein forms N406S, N417S, N445S.
Identifiers: ClinVar variation 1677355 (VCV001677355.4), dbSNP rs2107133781, ClinGen allele CA352586155.
Genomic context (GRCh38, chr3:47,846,406, plus strand): 5'-GGCCGGTCTGGCAGGAGGCCCCCCAGCTACCTGTGGACCCACATCGGGACACCATCCTCA[A>G]CGCCATTGAGCAGCACCCGGTGGTGGTCATCTCTGGGGACACGGGCTGTGGGAAGACCAC-3'
Protein context (NP_619520.1, residues 435-455): PVDPHRDTIL[Asn445Ser]AIEQHPVVVI

ClinVar aggregate classification (germline): Uncertain significance. Review status: criteria provided, multiple submitters, no conflicts (2 of 4 stars). 3 submissions from 3 submitters: Uncertain significance (3). Last evaluated 2025-12-22.

Conditions:
Inborn genetic diseases. Identifiers: MedGen C0950123, MeSH D030342.

gnomAD v4.1: 1 of 1,614,082 alleles (0.000062%); highest among the groups gnomAD compares: Non-Finnish European, 0.000085%; no homozygotes.

Submissions (3):

Ambry Genetics
Classification: Uncertain significance for Inborn genetic diseases. Last evaluated: 2025-12-22. Review status: criteria provided, single submitter. Criteria: Ambry Variant Classification Scheme 2023. Collection method: clinical testing. Allele origin: germline.

Women's Health and Genetics/Laboratory Corporation of America, LabCorp
Classification: Uncertain significance. Last evaluated: 2025-04-25. Review status: criteria provided, single submitter. Criteria: LabCorp Variant Classification Summary - May 2015. Collection method: clinical testing. Allele origin: germline.
Comment: Variant summary: DHX30 c.1334A>G (p.Asn445Ser) results in a conservative amino acid change located in the DEAD/DEAH box helicase domain (IPR011545) of the encoded protein sequence. Four of four in-silico tools predict a benign effect of the variant on protein function. The variant was absent in 250626 control chromosomes. The available data on variant occurrences in the general population are insufficient to allow any conclusion about variant significance. To our knowledge, no occurrence of c.1334A>G in individuals affected with Neurodevelopmental Disorder With Severe Motor Impairment And Absent Language and no experimental evidence demonstrating its impact on protein function have been reported. ClinVar contains an entry for this variant (Variation ID: 1677355). Based on the evidence outlined above, the variant was classified as uncertain significance.

AiLife Diagnostics
Classification: Uncertain significance. Last evaluated: 2021-07-13. Review status: criteria provided, single submitter. Criteria: ACMG Guidelines, 2015. Collection method: clinical testing. Allele origin: germline. Affected: yes. Observed: 1 variant allele.